The following is an entry in ClinVar:

NM_001282933.2(ZNF341):c.2094C>T (p.Leu698=)

Genes: ZNF341 (zinc finger protein 341; plus strand), ZNF341-AS1 (ZNF341 antisense RNA 1; minus strand). Cytogenetic location: 20q11.22.
Variant type: single nucleotide variant.
Coding change: c.2094C>T on transcript NM_001282933.2 (MANE Select); coding-DNA position 2094, C replaced by T.
Protein change: p.Leu698=; no amino-acid change (leucine 698 retained).
Molecular consequence: synonymous variant. On other transcripts: non-coding transcript variant (1).
Genome position (GRCh38, 1-based): chr20:33,791,046, C>T. VCF-style: chr20-33791046-C-T. GRCh37 (hg19) VCF-style: chr20-32378852-C-T.
Other names: c.1824C>T, p.Leu608= (NM_001282935.2); c.2073C>T, p.Leu691= (NM_032819.5).
Identifiers: ClinVar variation 3611848 (VCV003611848.11).

ClinVar aggregate classification (germline): Likely benign. Review status: criteria provided, multiple submitters, no conflicts (2 of 4 stars). 3 submissions from 3 submitters: Likely benign (3). Last evaluated 2025-06-01.

gnomAD v4.1: 28 of 1,613,456 alleles (0.0017%); highest among the groups gnomAD compares: Middle Eastern, 0.016%; no homozygotes.

Submissions (3):

CeGaT Center for Human Genetics Tuebingen
Classification: Likely benign. Last evaluated: 2025-06-01. Review status: criteria provided, single submitter. Criteria: CeGaT Center For Human Genetics Tuebingen Variant Classification Criteria Version 2. Collection method: clinical testing. Allele origin: germline. Affected: yes. Observed: 1 variant allele.
Comment: ZNF341: BP4, BP7

Labcorp Genetics (formerly Invitae), Labcorp
Classification: Likely benign. Last evaluated: 2025-02-07. Review status: criteria provided, single submitter. Criteria: Invitae Variant Classification Sherloc (09022015). Collection method: clinical testing. Allele origin: germline.

Blueprint Genetics
Classification: Likely benign. Last evaluated: 2024-03-18. Review status: criteria provided, single submitter. Criteria: ACMG Guidelines, 2015. Collection method: clinical testing. Allele origin: germline.